The following is an entry in ClinVar:

NM_006445.4(PRPF8):c.6447G>A (p.Pro2149=)

Gene: PRPF8 (pre-mRNA processing factor 8; minus strand). Cytogenetic location: 17p13.3.
Variant type: single nucleotide variant.
Coding change: c.6447G>A on transcript NM_006445.4 (MANE Select); coding-DNA position 6447, G replaced by A.
Protein change: p.Pro2149=; no amino-acid change (proline 2149 retained).
Molecular consequence: synonymous variant.
Genome position (GRCh38, 1-based): chr17:1,651,711, C>T on the plus strand (G>A on the coding strand, the complement: PRPF8 is on the minus strand). VCF-style: chr17-1651711-C-T. GRCh37 (hg19) VCF-style: chr17-1555005-C-T.
Identifiers: ClinVar variation 889696 (VCV000889696.13), dbSNP rs140315637, ClinGen allele CA8271181.

ClinVar aggregate classification (germline): Conflicting classifications of pathogenicity. Review status: criteria provided, conflicting classifications (1 of 4 stars). 4 submissions from 4 submitters: Uncertain significance (1); Likely benign (3). Last evaluated 2025-09-08.

Conditions:
PRPF8-related disorder. Also called: PRPF8-related condition.
Retinitis pigmentosa (RP). Identifiers: Orphanet 791, MedGen C0035334, MeSH D012174, MONDO:0019200, OMIM 268000. Inheritance: Autosomal dominant, autosomal recessive and X linked inheritance.

Allele frequency attached by ClinVar (database versions not stated): TOPMed 0.00004; gnomAD 0.00005 and 0.00006; gnomAD exomes 0.00005; ExAC 0.00007; ESP Exome Variant Server 0.00015; 1000 Genomes Project 30x 0.00047; 1000 Genomes Project 0.00060.
gnomAD v4.1: 36 of 1,614,148 alleles (0.0022%); highest among the groups gnomAD compares: African/African-American, 0.019%; no homozygotes.

Submissions (4):

Labcorp Genetics (formerly Invitae), Labcorp
Classification: Likely benign. Last evaluated: 2025-09-08. Review status: criteria provided, single submitter. Criteria: Invitae Variant Classification Sherloc (09022015). Collection method: clinical testing. Allele origin: germline.

PreventionGenetics, part of Exact Sciences
Classification: Likely benign for PRPF8-related condition. Last evaluated: 2024-12-18. Review status: criteria provided, single submitter. Criteria: ACMG Guidelines, 2015. Collection method: clinical testing. Allele origin: germline.
Comment: This variant is classified as likely benign based on ACMG/AMP sequence variant interpretation guidelines (Richards et al. 2015 PMID: 25741868, with internal and published modifications).

Blueprint Genetics
Classification: Likely benign. Last evaluated: 2022-08-24. Review status: criteria provided, single submitter. Criteria: ACMG Guidelines, 2015. Collection method: clinical testing. Allele origin: germline.

Illumina Laboratory Services, Illumina
Classification: Uncertain significance for Retinitis pigmentosa. Last evaluated: 2018-01-12. Review status: criteria provided, single submitter. Criteria: ICSL Variant Classification Criteria 13 December 2019. Collection method: clinical testing. Allele origin: germline.